The following is an entry in ClinVar:

ClinVar aggregate classification (germline): Uncertain significance (1 of 4 stars; one submission).

Submission:

GeneDx
Classification: Uncertain significance. Last evaluated: 2024-04-12. Review status: criteria provided, single submitter. Criteria: GeneDx Variant Classification Process June 2021. Collection method: clinical testing. Allele origin: germline. Affected: yes.
Comment: Not observed at significant frequency in large population cohorts (gnomAD); In-frame deletion of 10 amino acids in a non-repeat region; In silico analysis supports a deleterious effect on protein structure/function; Has not been previously published as pathogenic or benign to our knowledge

NM_138383.3(MTSS2):c.1690_1719del (p.Ile564_Thr573del)

Gene: MTSS2 (MTSS I-BAR domain containing 2; minus strand). Cytogenetic location: 16q22.1.
Variant type: Deletion.
Coding change: c.1690_1719del on transcript NM_138383.3 (MANE Select); coding-DNA positions 1690 to 1719, 30 bases deleted (ATCCGCCGCACACCCTCCACCAAGCCCACC).
Protein change: p.Ile564_Thr573del.
Genome position (GRCh38, 1-based): chr16:70,664,202-70,664,231, GGTGGGCTTGGTGGAGGGTGTGCGGCGGAT deleted on the plus strand (ATCCGCCGCACACCCTCCACCAAGCCCACC on the coding strand, the reverse complement: MTSS2 is on the minus strand); deleting any 30 consecutive bases within chr16:70,664,202-70,664,236 gives the same sequence; the c. name uses the placement nearest the transcript's 3' end. VCF-style (leftmost placement, unchanged base first): chr16-70664201-CGGTGGGCTTGGTGGAGGGTGTGCGGCGGAT-C. GRCh37 (hg19) VCF-style: chr16-70698104-CGGTGGGCTTGGTGGAGGGTGTGCGGCGGAT-C.
Identifiers: ClinVar variation 3372478 (VCV003372478.1).